The following is an entry in ClinVar:

ClinVar aggregate classification (germline): Uncertain significance (1 of 4 stars; one submission).

Allele frequency attached by ClinVar (database versions not stated): gnomAD 0.00001.
gnomAD v4.1: 1 of 1,613,858 alleles (0.000062%); highest among the groups gnomAD compares: African/African-American, 0.0013%; no homozygotes.

Submission:

Labcorp Genetics (formerly Invitae), Labcorp
Classification: Uncertain significance. Last evaluated: 2022-06-23. Review status: criteria provided, single submitter. Criteria: Invitae Variant Classification Sherloc (09022015). Collection method: clinical testing. Allele origin: germline.
Comment: In summary, the available evidence is currently insufficient to determine the role of this variant in disease. Therefore, it has been classified as a Variant of Uncertain Significance. This variant is not present in population databases (gnomAD no frequency). This variant has not been reported in the literature in individuals affected with LAMA1-related conditions. Algorithms developed to predict the effect of missense changes on protein structure and function are either unavailable or do not agree on the potential impact of this missense change (SIFT: "Tolerated"; PolyPhen-2: "Probably Damaging"; Align-GVGD: "Class C0"). This sequence change replaces alanine, which is neutral and non-polar, with proline, which is neutral and non-polar, at codon 678 of the LAMA1 protein (p.Ala678Pro).

NM_005559.4(LAMA1):c.2032G>C (p.Ala678Pro)

Gene: LAMA1 (laminin subunit alpha 1; minus strand). Cytogenetic location: 18p11.31.
Variant type: single nucleotide variant.
Coding change: c.2032G>C on transcript NM_005559.4 (MANE Select); coding-DNA position 2032, G replaced by C.
Protein change: p.Ala678Pro; replaces alanine 678 with proline.
Molecular consequence: missense variant.
Genome position (GRCh38, 1-based): chr18:7,034,498, C>G on the plus strand (G>C on the coding strand, the complement: LAMA1 is on the minus strand). VCF-style: chr18-7034498-C-G. GRCh37 (hg19) VCF-style: chr18-7034497-C-G.
Other names: short protein forms A678P.
Identifiers: ClinVar variation 2093300 (VCV002093300.4), dbSNP rs1275856775, ClinGen allele CA401830044.